The following is an entry in ClinVar:

ClinVar aggregate classification (germline): Uncertain significance (1 of 4 stars; one submission).

Submission:

GeneDx
Classification: Uncertain significance. Last evaluated: 2025-02-02. Review status: criteria provided, single submitter. Criteria: GeneDx Variant Classification Process June 2021. Collection method: clinical testing. Allele origin: germline. Affected: yes.
Comment: Not observed at significant frequency in large population cohorts (gnomAD); In silico analysis supports that this missense variant has a deleterious effect on protein structure/function; Has not been previously published as pathogenic or benign to our knowledge; Occurs in the triple helical domain within an interruption of the canonical Gly-X-Y repeat

NM_001845.6(COL4A1):c.2828T>A (p.Met943Lys)

Gene: COL4A1 (collagen type IV alpha 1 chain; minus strand). Cytogenetic location: 13q34.
Variant type: single nucleotide variant.
Coding change: c.2828T>A on transcript NM_001845.6 (MANE Select); coding-DNA position 2828, T replaced by A.
Protein change: p.Met943Lys; replaces methionine 943 with lysine.
Molecular consequence: missense variant.
Genome position (GRCh38, 1-based): chr13:110,176,926, A>T on the plus strand (T>A on the coding strand, the complement: COL4A1 is on the minus strand). VCF-style: chr13-110176926-A-T. GRCh37 (hg19) VCF-style: chr13-110829273-A-T.
Other names: short protein forms M943K.
Identifiers: ClinVar variation 4072786 (VCV004072786.1).
Genomic context (GRCh38, chr13:110,176,926, plus strand): 5'-AGAAGCCTCCTGGACTTGCCTTTCTCTCCTTGGTCTCCTTTCTGGCCCTTCATGCTGCCC[A>T]TGTCCACCTTATCCATGGAGCCAGGCTTGCCAGGGAGACCGACATCCCCCTTATCACCTT-3'
Protein context (NP_001836.3, residues 933-953): GKPGSMDKVD[Met943Lys]GSMKGQKGDQ